The following is an entry in ClinVar:

NM_001845.6(COL4A1):c.1481C>G (p.Pro494Arg)

Gene: COL4A1 (collagen type IV alpha 1 chain; minus strand). Cytogenetic location: 13q34.
Variant type: single nucleotide variant.
Coding change: c.1481C>G on transcript NM_001845.6 (MANE Select); coding-DNA position 1481, C replaced by G.
Protein change: p.Pro494Arg; replaces proline 494 with arginine.
Molecular consequence: missense variant.
Genome position (GRCh38, 1-based): chr13:110,192,269, G>C on the plus strand (C>G on the coding strand, the complement: COL4A1 is on the minus strand). VCF-style: chr13-110192269-G-C. GRCh37 (hg19) VCF-style: chr13-110844616-G-C.
Other names: c.1481C>G, p.Pro494Arg (NM_001303110.2); short protein forms P494R.
Identifiers: ClinVar variation 2837520 (VCV002837520.3), dbSNP rs1235111753, ClinGen allele CA388723424.

ClinVar aggregate classification (germline): Uncertain significance (1 of 4 stars; one submission).

Submission:

Labcorp Genetics (formerly Invitae), Labcorp
Classification: Uncertain significance. Last evaluated: 2023-02-14. Review status: criteria provided, single submitter. Criteria: Invitae Variant Classification Sherloc (09022015). Collection method: clinical testing. Allele origin: germline.
Comment: In summary, the available evidence is currently insufficient to determine the role of this variant in disease. Therefore, it has been classified as a Variant of Uncertain Significance. Advanced modeling of protein sequence and biophysical properties (such as structural, functional, and spatial information, amino acid conservation, physicochemical variation, residue mobility, and thermodynamic stability) performed at Invitae indicates that this missense variant is not expected to disrupt COL4A1 protein function. This variant has not been reported in the literature in individuals affected with COL4A1-related conditions. This variant is not present in population databases (gnomAD no frequency). This sequence change replaces proline, which is neutral and non-polar, with arginine, which is basic and polar, at codon 494 of the COL4A1 protein (p.Pro494Arg).